The following is an entry in ClinVar:

ClinVar aggregate classification (germline): Uncertain significance. Review status: criteria provided, multiple submitters, no conflicts (2 of 4 stars). 3 submissions from 3 submitters: Uncertain significance (3). Last evaluated 2024-03-28.

Conditions:
Ataxia-telangiectasia syndrome (AT). Also called: ATAXIA-TELANGIECTASIA, COMPLEMENTATION GROUP A; ATAXIA-TELANGIECTASIA, FRESNO VARIANT; Ataxia-telangiectasia; Ataxia-telangiectasia, complementation group D; AT, COMPLEMENTATION GROUP C; Ataxia-telangiectasia, complementation group E. Identifiers: Orphanet 100, MedGen C0004135, MONDO:0008840, OMIM 208900.
Familial cancer of breast. Also called: hereditary breast carcinoma; BREAST CANCER, FAMILIAL; Hereditary breast cancer. Identifiers: Orphanet 227535, MedGen C0346153, MONDO:0016419, OMIM 114480. Disease mechanism: loss of function.
Hereditary cancer-predisposing syndrome. Also called: Neoplastic Syndromes, Hereditary; Tumor predisposition; Hereditary Cancer Syndrome; Hereditary neoplastic syndrome. Identifiers: Orphanet 140162, MedGen C0027672, MeSH D009386, MONDO:0015356.

Allele frequency attached by ClinVar (database versions not stated): TOPMed below 0.00001.

Submissions (3):

Ambry Genetics
Classification: Uncertain significance for Hereditary cancer-predisposing syndrome. Last evaluated: 2024-03-28. Review status: criteria provided, single submitter. Criteria: Ambry Variant Classification Scheme 2023. Collection method: clinical testing. Allele origin: germline.
Comment: The p.H291D variant (also known as c.871C>G), located in coding exon 6 of the ATM gene, results from a C to G substitution at nucleotide position 871. The histidine at codon 291 is replaced by aspartic acid, an amino acid with similar properties. This amino acid position is highly conserved in available vertebrate species. In addition, this alteration is predicted to be deleterious by in silico analysis. Based on the available evidence, the clinical significance of this alteration remains unclear.

Fulgent Genetics
Classification: Uncertain significance for Familial cancer of breast; Ataxia-telangiectasia syndrome. Last evaluated: 2022-04-20. Review status: criteria provided, single submitter. Criteria: ACMG Guidelines, 2015. Collection method: clinical testing. Allele origin: unknown.

Labcorp Genetics (formerly Invitae), Labcorp
Classification: Uncertain significance for Ataxia-telangiectasia syndrome. Last evaluated: 2021-08-28. Review status: criteria provided, single submitter. Criteria: Invitae Variant Classification Sherloc (09022015). Collection method: clinical testing. Allele origin: germline.
Comment: In summary, the available evidence is currently insufficient to determine the role of this variant in disease. Therefore, it has been classified as a Variant of Uncertain Significance. Algorithms developed to predict the effect of missense changes on protein structure and function (SIFT, PolyPhen-2, Align-GVGD) all suggest that this variant is likely to be disruptive, but these predictions have not been confirmed by published functional studies and their clinical significance is uncertain. This variant has not been reported in the literature in individuals with ATM-related disease. This variant is not present in population databases (ExAC no frequency). This sequence change replaces histidine with aspartic acid at codon 291 of the ATM protein (p.His291Asp). The histidine residue is highly conserved and there is a moderate physicochemical difference between histidine and aspartic acid.

NM_000051.4(ATM):c.871C>G (p.His291Asp)

Gene: ATM (ATM serine/threonine kinase; plus strand). Cytogenetic location: 11q22.3.
Variant type: single nucleotide variant.
Coding change: c.871C>G on transcript NM_000051.4 (MANE Select); coding-DNA position 871, C replaced by G.
Protein change: p.His291Asp; replaces histidine 291 with aspartic acid.
Molecular consequence: missense variant.
Genome position (GRCh38, 1-based): chr11:108,244,996, C>G. VCF-style: chr11-108244996-C-G. GRCh37 (hg19) VCF-style: chr11-108115723-C-G.
Other names: c.871C>G, p.His291Asp (NM_001351834.2); short protein forms H291D.
Identifiers: ClinVar variation 524297 (VCV000524297.11), dbSNP rs1555067280, ClinGen allele CA382529537.